The following is an entry in ClinVar:

ClinVar aggregate classification (germline): Uncertain significance (1 of 4 stars; one submission).

Conditions:
Monogenic diabetes. Identifiers: Orphanet 183625, MedGen C3888631, MONDO:0015967.

Allele frequency attached by ClinVar (database versions not stated): TOPMed 0.00021; gnomAD exomes 0.00026; ExAC 0.00028; ESP Exome Variant Server 0.00023.
gnomAD v4.1: 403 of 1,609,210 alleles (0.025%); highest among the groups gnomAD compares: South Asian, 0.11%; 2 homozygotes.

Submission:

Personalized Diabetes Medicine Program, University of Maryland School of Medicine
Classification: Uncertain significance for Monogenic diabetes. Last evaluated: 2018-02-09. Review status: criteria provided, single submitter. Criteria: ACMG Guidelines, 2015. Collection method: research. Allele origin: unknown. Observed: 1 variant allele, 1 heterozygote.
Comment: ACMG criteria: PP3 (2 predictors), BP4 (8 predictors)=VUS

NM_002711.4(PPP1R3A):c.3260T>G (p.Ile1087Arg)

Gene: PPP1R3A (protein phosphatase 1 regulatory subunit 3A; minus strand). Cytogenetic location: 7q31.1.
Variant type: single nucleotide variant.
Coding change: c.3260T>G on transcript NM_002711.4 (MANE Select); coding-DNA position 3260, T replaced by G.
Protein change: p.Ile1087Arg; replaces isoleucine 1087 with arginine.
Molecular consequence: missense variant.
Genome position (GRCh38, 1-based): chr7:113,877,832, A>C on the plus strand (T>G on the coding strand, the complement: PPP1R3A is on the minus strand). VCF-style: chr7-113877832-A-C. GRCh37 (hg19) VCF-style: chr7-113517887-A-C.
Other names: short protein forms I1087R.
Identifiers: ClinVar variation 917447 (VCV000917447.2), dbSNP rs139484221, ClinGen allele CA4444939.